The following is an entry in ClinVar:

ClinVar aggregate classification (germline): Pathogenic (1 of 4 stars; one submission).

Conditions:
Hereditary cancer-predisposing syndrome. Also called: Hereditary Cancer Syndrome; Tumor predisposition; Hereditary neoplastic syndrome; Neoplastic Syndromes, Hereditary. Identifiers: Orphanet 140162, MedGen C0027672, MeSH D009386, MONDO:0015356.

Submission:

Ambry Genetics
Classification: Pathogenic for Hereditary cancer-predisposing syndrome. Last evaluated: 2024-05-09. Review status: criteria provided, single submitter. Criteria: Ambry Variant Classification Scheme 2023. Collection method: clinical testing. Allele origin: germline.
Comment: The c.147_151dupAAGTG pathogenic mutation, located in coding exon 2 of the BRIP1 gene, results from a duplication of AAGTG at nucleotide position 147, causing a translational frameshift with a predicted alternate stop codon (p.G51Efs*6). This alteration is expected to result in loss of function by premature protein truncation or nonsense-mediated mRNA decay. As such, this alteration is interpreted as a disease-causing mutation.

NM_032043.3(BRIP1):c.147_151dup (p.Gly51fs)

Gene: BRIP1 (BRCA1 interacting DNA helicase 1; minus strand). Cytogenetic location: 17q23.2.
Variant type: Duplication.
Coding change: c.147_151dup on transcript NM_032043.3 (MANE Select); coding-DNA positions 147 to 151, 5 bases duplicated (AAGTG; older notation c.147_151dupAAGTG).
Protein change: p.Gly51fs; shifts the reading frame from glycine 51.
Molecular consequence: frameshift variant.
Genome position (GRCh38, 1-based): chr17:61,859,850-61,859,854, CACTT duplicated on the plus strand (AAGTG on the coding strand, the reverse complement: BRIP1 is on the minus strand); duplicating any 5 consecutive bases within chr17:61,859,850-61,859,855 gives the same sequence; the c. name uses the placement nearest the transcript's 3' end. VCF-style (leftmost placement, unchanged base first): chr17-61859849-C-CCACTT. GRCh37 (hg19) VCF-style: chr17-59937210-C-CCACTT.
Other names: c.147_151dupAAGTG (NM_032043.2); short protein forms G51fs.
Identifiers: ClinVar variation 3261808 (VCV003261808.1).